The following is an entry in ClinVar:

ClinVar aggregate classification (germline): Uncertain significance. Review status: criteria provided, multiple submitters, no conflicts (2 of 4 stars). 2 submissions from 2 submitters: Uncertain significance (2). Last evaluated 2025-11-17.

Conditions:
Tuberous sclerosis 1 (TSC1). Identifiers: Orphanet 805, MedGen C1854465, MONDO:0008612, OMIM 191100.
Hereditary cancer-predisposing syndrome. Also called: Hereditary Cancer Syndrome; Neoplastic Syndromes, Hereditary; Hereditary neoplastic syndrome; Tumor predisposition. Identifiers: Orphanet 140162, MedGen C0027672, MeSH D009386, MONDO:0015356.

Allele frequency attached by ClinVar (database versions not stated): TOPMed below 0.00001; gnomAD 0.00001.
gnomAD v4.1: 7 of 1,613,704 alleles (0.00043%); highest among the groups gnomAD compares: Non-Finnish European, 0.00051%; no homozygotes.

Submissions (2):

Labcorp Genetics (formerly Invitae), Labcorp
Classification: Uncertain significance for Tuberous sclerosis 1. Last evaluated: 2025-11-17. Review status: criteria provided, single submitter. Criteria: Invitae Variant Classification Sherloc (09022015). Collection method: clinical testing. Allele origin: germline.
Comment: This sequence change replaces proline, which is neutral and non-polar, with leucine, which is neutral and non-polar, at codon 548 of the TSC1 protein (p.Pro548Leu). This variant is not present in population databases (gnomAD no frequency). This variant has not been reported in the literature in individuals affected with TSC1-related conditions. ClinVar contains an entry for this variant (Variation ID: 819715). Invitae Evidence Modeling of protein sequence and biophysical properties (such as structural, functional, and spatial information, amino acid conservation, physicochemical variation, residue mobility, and thermodynamic stability) indicates that this missense variant is not expected to disrupt TSC1 protein function with a negative predictive value of 95%. Algorithms developed to predict the effect of sequence changes on RNA splicing suggest that this variant may create or strengthen a splice site. In summary, the available evidence is currently insufficient to determine the role of this variant in disease. Therefore, it has been classified as a Variant of Uncertain Significance.

Ambry Genetics
Classification: Uncertain significance for Hereditary cancer-predisposing syndrome. Last evaluated: 2024-05-30. Review status: criteria provided, single submitter. Criteria: Ambry Variant Classification Scheme 2023. Collection method: clinical testing. Allele origin: germline.
Comment: The p.P548L variant (also known as c.1643C>T), located in coding exon 13 of the TSC1 gene, results from a C to T substitution at nucleotide position 1643. The proline at codon 548 is replaced by leucine, an amino acid with similar properties. This amino acid position is well conserved in available vertebrate species. In addition, the in silico prediction for this alteration is inconclusive. Based on the available evidence, the clinical significance of this variant remains unclear.

NM_000368.5(TSC1):c.1643C>T (p.Pro548Leu)

Gene: TSC1 (TSC complex subunit 1; minus strand). Cytogenetic location: 9q34.13.
Variant type: single nucleotide variant.
Coding change: c.1643C>T on transcript NM_000368.5 (MANE Select); coding-DNA position 1643, C replaced by T.
Protein change: p.Pro548Leu; replaces proline 548 with leucine.
Molecular consequence: missense variant.
Genome position (GRCh38, 1-based): chr9:132,905,935, G>A on the plus strand (C>T on the coding strand, the complement: TSC1 is on the minus strand). VCF-style: chr9-132905935-G-A. GRCh37 (hg19) VCF-style: chr9-135781322-G-A.
Other names: c.1640C>T, p.Pro547Leu (NM_001162426.2); c.1490C>T, p.Pro497Leu (NM_001162427.2); c.1280C>T, p.Pro427Leu (NM_001362177.2); short protein forms P427L, P548L, P497L, P547L.
Identifiers: ClinVar variation 819715 (VCV000819715.13), dbSNP rs1588310178, ClinGen allele CA375364497.